The following is an entry in ClinVar:

ClinVar aggregate classification (germline): Uncertain significance (1 of 4 stars; one submission).

Conditions:
Inborn genetic diseases. Identifiers: MedGen C0950123, MeSH D030342.

gnomAD v4.1: 1 of 1,614,130 alleles (0.000062%); highest among the groups gnomAD compares: Non-Finnish European, 0.000085%; no homozygotes.

Submission:

Ambry Genetics
Classification: Uncertain significance for Inborn genetic diseases. Last evaluated: 2022-09-16. Review status: criteria provided, single submitter. Criteria: Ambry Variant Classification Scheme 2023. Collection method: clinical testing. Allele origin: germline.
Comment: The p.V91G variant (also known as c.272T>G), located in coding exon 3 of the LRRK2 gene, results from a T to G substitution at nucleotide position 272. The valine at codon 91 is replaced by glycine, an amino acid with dissimilar properties. This amino acid position is conserved. In addition, this alteration is predicted to be tolerated by in silico analysis. Since supporting evidence is limited at this time, the clinical significance of this alteration remains unclear.

NM_198578.4(LRRK2):c.272T>G (p.Val91Gly)

Gene: LRRK2 (leucine rich repeat kinase 2; plus strand). Cytogenetic location: 12q12.
Variant type: single nucleotide variant.
Coding change: c.272T>G on transcript NM_198578.4 (MANE Select); coding-DNA position 272, T replaced by G.
Protein change: p.Val91Gly; replaces valine 91 with glycine.
Molecular consequence: missense variant.
Genome position (GRCh38, 1-based): chr12:40,232,308, T>G. VCF-style: chr12-40232308-T-G. GRCh37 (hg19) VCF-style: chr12-40626110-T-G.
Other names: short protein forms V91G.
Identifiers: ClinVar variation 1795286 (VCV001795286.2), dbSNP rs1282399809, ClinGen allele CA384401417.
Genomic context (GRCh38, chr12:40,232,308, plus strand): 5'-TGAATATATGTCTTTCTTGTTTTCAGGTGGGTTGGTCACTTCTGTGCAAATTAATAGAAG[T>G]CTGTCCAGGTACAATGCAAAGCTTAATGGGACCCCAGGATGTTGGAAATGATTGGGAAGT-3'
Protein context (NP_940980.4, residues 81-101): GWSLLCKLIE[Val91Gly]CPGTMQSLMG